The following is an entry in ClinVar:

ClinVar aggregate classification (germline): Uncertain significance (1 of 4 stars; one submission).

Submission:

Ambry Genetics
Classification: Uncertain significance. Last evaluated: 2021-06-18. Review status: criteria provided, single submitter. Criteria: Ambry Variant Classification Scheme 2023. Collection method: clinical testing. Allele origin: germline.
Comment: The p.G45V variant (also known as c.134G>T), located in coding exon 2 of the IDH1 gene, results from a G to T substitution at nucleotide position 134. The glycine at codon 45 is replaced by valine, an amino acid with dissimilar properties. This amino acid position is conserved. In addition, this alteration is predicted to be deleterious by in silico analysis. Since supporting evidence is limited at this time, the clinical significance of this alteration remains unclear.

NM_005896.4(IDH1):c.134G>T (p.Gly45Val)

Gene: IDH1 (isocitrate dehydrogenase (NADP(+)) 1; minus strand). Cytogenetic location: 2q34.
Variant type: single nucleotide variant.
Coding change: c.134G>T on transcript NM_005896.4 (MANE Select); coding-DNA position 134, G replaced by T.
Protein change: p.Gly45Val; replaces glycine 45 with valine.
Molecular consequence: missense variant.
Genome position (GRCh38, 1-based): chr2:208,248,649, C>A on the plus strand (G>T on the coding strand, the complement: IDH1 is on the minus strand). VCF-style: chr2-208248649-C-A. GRCh37 (hg19) VCF-style: chr2-209113373-C-A.
Other names: c.134G>T, p.Gly45Val (NM_001282386.1, NM_001282387.1); short protein forms G45V.
Identifiers: ClinVar variation 1770575 (VCV001770575.2), dbSNP rs1688068182, ClinGen allele CA350102542.